The following is an entry in ClinVar:

ClinVar aggregate classification (germline): Uncertain significance (1 of 4 stars; one submission).

Submission:

Labcorp Genetics (formerly Invitae), Labcorp
Classification: Uncertain significance. Last evaluated: 2016-02-05. Review status: criteria provided, single submitter. Criteria: Invitae Variant Classification Sherloc (09022015). Collection method: clinical testing. Allele origin: germline.
Comment: This variant is a gross deletion of the genomic region encompassing exons 4-5 of the GALNT12 gene. This creates a premature translational stop signal and is expected to result in an absent or disrupted protein product. While this particular variant has not been reported in the literature, truncating variants in GALNT12 are not necessarily pathogenic (PMID: 19617566), and the clinical significance of this variant is uncertain at this time. In summary, this is a novel deletion with uncertain impact on protein function. It has been classified as a Variant of Uncertain Significance.

NM_024642.4(GALNT12):c.732-?_1035+?del

Gene: GALNT12 (polypeptide N-acetylgalactosaminyltransferase 12; plus strand).
Variant type: Deletion.
Coding change: c.732-?_1035+?del on transcript NM_024642.4.
Identifiers: ClinVar variation 254066 (VCV000254066.1).